The following is an entry in ClinVar:

ClinVar aggregate classification (germline): Uncertain significance (1 of 4 stars; one submission).

Allele frequency attached by ClinVar (database versions not stated): gnomAD exomes below 0.00001; TOPMed 0.00001.
gnomAD v4.1: 1 of 1,613,560 alleles (0.000062%); highest among the groups gnomAD compares: East Asian, 0.0022%; no homozygotes.

Submission:

Labcorp Genetics (formerly Invitae), Labcorp
Classification: Uncertain significance. Last evaluated: 2025-05-19. Review status: criteria provided, single submitter. Criteria: Invitae Variant Classification Sherloc (09022015). Collection method: clinical testing. Allele origin: germline.
Comment: This sequence change replaces valine, which is neutral and non-polar, with glycine, which is neutral and non-polar, at codon 81 of the SLC13A3 protein (p.Val81Gly). This variant is present in population databases (no rsID available, gnomAD 0.006%). This variant has not been reported in the literature in individuals affected with SLC13A3-related conditions. ClinVar contains an entry for this variant (Variation ID: 2011094). Invitae Evidence Modeling of protein sequence and biophysical properties (such as structural, functional, and spatial information, amino acid conservation, physicochemical variation, residue mobility, and thermodynamic stability) indicates that this missense variant is expected to disrupt SLC13A3 protein function with a positive predictive value of 80%. In summary, the available evidence is currently insufficient to determine the role of this variant in disease. Therefore, it has been classified as a Variant of Uncertain Significance.

NM_022829.6(SLC13A3):c.242T>G (p.Val81Gly)

Gene: SLC13A3 (solute carrier family 13 member 3; minus strand). Cytogenetic location: 20q13.12.
Variant type: single nucleotide variant.
Coding change: c.242T>G on transcript NM_022829.6 (MANE Select); coding-DNA position 242, T replaced by G.
Protein change: p.Val81Gly; replaces valine 81 with glycine.
Molecular consequence: missense variant. On other transcripts: intron variant (1).
Genome position (GRCh38, 1-based): chr20:46,613,595, A>C on the plus strand (T>G on the coding strand, the complement: SLC13A3 is on the minus strand). VCF-style: chr20-46613595-A-C. GRCh37 (hg19) VCF-style: chr20-45242234-A-C.
Other names: c.101T>G, p.Val34Gly (NM_001011554.3, NM_001193340.2); c.242T>G, p.Val81Gly (NM_001193339.2); c.-10-43T>G (NM_001193342.2); short protein forms V81G, V34G.
Identifiers: ClinVar variation 2011094 (VCV002011094.4), dbSNP rs1296991756, ClinGen allele CA409269970.